The following is an entry in ClinVar:

ClinVar aggregate classification (germline): Pathogenic (1 of 4 stars; one submission).

Submission:

Labcorp Genetics (formerly Invitae), Labcorp
Classification: Pathogenic. Last evaluated: 2023-07-17. Review status: criteria provided, single submitter. Criteria: Invitae Variant Classification Sherloc (09022015). Collection method: clinical testing. Allele origin: germline.
Comment: This sequence change creates a premature translational stop signal (p.Gln1171*) in the SPTB gene. It is expected to result in an absent or disrupted protein product. Loss-of-function variants in SPTB are known to be pathogenic (PMID: 1391962, 1498324, 8844207, 26830532, 27292444). This variant is not present in population databases (gnomAD no frequency). This variant has not been reported in the literature in individuals affected with SPTB-related conditions. For these reasons, this variant has been classified as Pathogenic.

Literature cited by the submitters: PubMed 1391962; PubMed 1498324; PubMed 8844207; PubMed 26830532; PubMed 27292444.

NM_001355436.2(SPTB):c.3511C>T (p.Gln1171Ter)

Gene: SPTB (spectrin beta, erythrocytic; minus strand). Cytogenetic location: 14q23.3.
Variant type: single nucleotide variant.
Coding change: c.3511C>T on transcript NM_001355436.2 (MANE Select); coding-DNA position 3511, C replaced by T.
Protein change: p.Gln1171Ter; replaces glutamine 1171 with a stop codon.
Molecular consequence: nonsense.
Genome position (GRCh38, 1-based): chr14:64,786,454, G>A on the plus strand (C>T on the coding strand, the complement: SPTB is on the minus strand). VCF-style: chr14-64786454-G-A. GRCh37 (hg19) VCF-style: chr14-65253172-G-A.
Other names: c.3511C>T, p.Gln1171Ter (NM_001024858.4, NM_001355437.2); short protein forms Q1171*.
Identifiers: ClinVar variation 2744134 (VCV002744134.3), dbSNP rs2503126833, ClinGen allele CA390046351.